The following is an entry in ClinVar:

NM_001291303.3(FAT4):c.5584G>A (p.Ala1862Thr)

Gene: FAT4 (FAT atypical cadherin 4; plus strand). Cytogenetic location: 4q28.1.
Variant type: single nucleotide variant.
Coding change: c.5584G>A on transcript NM_001291303.3 (MANE Select); coding-DNA position 5584, G replaced by A.
Protein change: p.Ala1862Thr; replaces alanine 1862 with threonine.
Molecular consequence: missense variant.
Genome position (GRCh38, 1-based): chr4:125,408,458, G>A. VCF-style: chr4-125408458-G-A. GRCh37 (hg19) VCF-style: chr4-126329613-G-A.
Other names: c.5584G>A, p.Ala1862Thr (NM_001291285.3, NM_024582.6); short protein forms A1862T.
Identifiers: ClinVar variation 1348282 (VCV001348282.8), dbSNP rs777004693, ClinGen allele CA3072762.

ClinVar aggregate classification (germline): Uncertain significance (1 of 4 stars; one submission).

Allele frequency attached by ClinVar (database versions not stated): ExAC 0.00001; gnomAD 0.00001; gnomAD exomes 0.00001.
gnomAD v4.1: 15 of 1,595,450 alleles (0.00094%); highest among the groups gnomAD compares: Non-Finnish European, 0.0012%; no homozygotes.

Submission:

Labcorp Genetics (formerly Invitae), Labcorp
Classification: Uncertain significance. Last evaluated: 2022-08-16. Review status: criteria provided, single submitter. Criteria: Invitae Variant Classification Sherloc (09022015). Collection method: clinical testing. Allele origin: germline.
Comment: In summary, the available evidence is currently insufficient to determine the role of this variant in disease. Therefore, it has been classified as a Variant of Uncertain Significance. Advanced modeling of protein sequence and biophysical properties (such as structural, functional, and spatial information, amino acid conservation, physicochemical variation, residue mobility, and thermodynamic stability) performed at Invitae indicates that this missense variant is not expected to disrupt FAT4 protein function. ClinVar contains an entry for this variant (Variation ID: 1348282). This variant has not been reported in the literature in individuals affected with FAT4-related conditions. This variant is present in population databases (rs777004693, gnomAD 0.002%). This sequence change replaces alanine, which is neutral and non-polar, with threonine, which is neutral and polar, at codon 1862 of the FAT4 protein (p.Ala1862Thr).